The following is an entry in ClinVar:

NM_003803.4(MYOM1):c.3106A>G (p.Ile1036Val)

Gene: MYOM1 (myomesin 1; minus strand). Cytogenetic location: 18p11.31.
Variant type: single nucleotide variant.
Coding change: c.3106A>G on transcript NM_003803.4 (MANE Select); coding-DNA position 3106, A replaced by G.
Protein change: p.Ile1036Val; replaces isoleucine 1036 with valine.
Molecular consequence: missense variant.
Genome position (GRCh38, 1-based): chr18:3,119,881, T>C on the plus strand (A>G on the coding strand, the complement: MYOM1 is on the minus strand). VCF-style: chr18-3119881-T-C. GRCh37 (hg19) VCF-style: chr18-3119879-T-C.
Other names: c.2818A>G, p.Ile940Val (NM_019856.2); short protein forms I940V, I1036V.
Identifiers: ClinVar variation 834541 (VCV000834541.9), dbSNP rs2079659653, ClinGen allele CA401706776.

ClinVar aggregate classification (germline): Uncertain significance (1 of 4 stars; one submission).

Conditions:
Hypertrophic cardiomyopathy. Also called: HYPERTROPHIC MYOCARDIOPATHY. Identifiers: Orphanet 217569, MedGen C0007194, MeSH D002312, MONDO:0005045, HP:0001639.

Allele frequency attached by ClinVar (database versions not stated): gnomAD exomes below 0.00001.
gnomAD v4.1: 1 of 1,607,400 alleles (0.000062%); highest among the groups gnomAD compares: Non-Finnish European, 0.000085%; no homozygotes.

Submission:

Labcorp Genetics (formerly Invitae), Labcorp
Classification: Uncertain significance for Hypertrophic cardiomyopathy. Last evaluated: 2022-07-11. Review status: criteria provided, single submitter. Criteria: Invitae Variant Classification Sherloc (09022015). Collection method: clinical testing. Allele origin: germline.
Comment: This sequence change replaces isoleucine, which is neutral and non-polar, with valine, which is neutral and non-polar, at codon 1036 of the MYOM1 protein (p.Ile1036Val). This variant is not present in population databases (gnomAD no frequency). This variant has not been reported in the literature in individuals affected with MYOM1-related conditions. In summary, the available evidence is currently insufficient to determine the role of this variant in disease. Therefore, it has been classified as a Variant of Uncertain Significance. Algorithms developed to predict the effect of missense changes on protein structure and function (SIFT, PolyPhen-2, Align-GVGD) all suggest that this variant is likely to be tolerated. ClinVar contains an entry for this variant (Variation ID: 834541).